The following is an entry in ClinVar:

NM_000493.4(COL10A1):c.1853G>T (p.Gly618Val)

Genes: COL10A1 (collagen type X alpha 1 chain; minus strand), NT5DC1 (5'-nucleotidase domain containing 1; plus strand). Cytogenetic location: 6q22.1.
Variant type: single nucleotide variant.
Coding change: c.1853G>T on transcript NM_000493.4 (MANE Select); coding-DNA position 1853, G replaced by T.
Protein change: p.Gly618Val; replaces glycine 618 with valine.
Molecular consequence: missense variant. On other transcripts: intron variant (1).
Genome position (GRCh38, 1-based): chr6:116,120,263, C>A on the plus strand (G>T on the coding strand, the complement: COL10A1 is on the minus strand). VCF-style: chr6-116120263-C-A. GRCh37 (hg19) VCF-style: chr6-116441426-C-A.
Other names: c.1853G>T, p.Gly618Val (NM_001424106.1, NM_001424107.1); c.529+2318C>A (NM_152729.3); short protein forms G618V.
Identifiers: ClinVar variation 1067305 (VCV001067305.9), dbSNP rs2114277897, ClinGen allele CA365386638.
Genomic context (GRCh38, chr6:116,120,263, plus strand): 5'-CCTGAAGCCTGATCCAGGTAGCCTTTGGTGTATTCATCATAGGTGTACATTACAGGGGTG[C>A]CATTCTTATACAGGCCTACCCAAACATGAGTCCCTTTCACATGCACGTGGTATGAAAAAT-3'
Protein context (NP_000484.2, residues 608-628): THVWVGLYKN[Gly618Val]TPVMYTYDEY

ClinVar aggregate classification (germline): Pathogenic (1 of 4 stars; one submission).

Submission:

Labcorp Genetics (formerly Invitae), Labcorp
Classification: Pathogenic. Last evaluated: 2022-03-25. Review status: criteria provided, single submitter. Criteria: Invitae Variant Classification Sherloc (09022015). Collection method: clinical testing. Allele origin: germline.
Comment: For these reasons, this variant has been classified as Pathogenic. Experimental studies have shown that this missense change affects COL10A1 function (PMID: 7876225, 15695517). Algorithms developed to predict the effect of missense changes on protein structure and function are either unavailable or do not agree on the potential impact of this missense change (SIFT: "Deleterious"; PolyPhen-2: "Probably Damaging"; Align-GVGD: "Class C0"). ClinVar contains an entry for this variant (Variation ID: 1067305). This missense change has been observed in individuals with clinical features of Schmid metaphyseal chondrodysplasia (PMID: 7876225; Invitae). It has also been observed to segregate with disease in related individuals. This variant is not present in population databases (gnomAD no frequency). This sequence change replaces glycine, which is neutral and non-polar, with valine, which is neutral and non-polar, at codon 618 of the COL10A1 protein (p.Gly618Val).

Literature cited by the submitters: PubMed 7876225; PubMed 15695517.